The following is an entry in ClinVar:

ClinVar aggregate classification (germline): Likely benign. Review status: criteria provided, multiple submitters, no conflicts (2 of 4 stars). 5 submissions from 5 submitters: Likely benign (4). 1 of the submissions does not count toward it. Last evaluated 2025-01-14.

Conditions:
Breast-ovarian cancer, familial, susceptibility to, 2 (BROVCA2). Also called: BRCA2 Hereditary Breast and Ovarian Cancer. Identifiers: Orphanet 145, MedGen C2675520, MONDO:0012933, OMIM 612555. Disease mechanism: loss of function.
Hereditary breast ovarian cancer syndrome. Also called: Breast and ovarian cancer; Hereditary breast and ovarian cancer; Hereditary breast and ovarian cancer syndrome; BRCA1- and BRCA2-Associated Hereditary Breast and Ovarian Cancer; Hereditary breast and ovarian cancer syndrome (HBOC); Hereditary breast and/or ovarian cancer syndrome. Identifiers: Orphanet 145, MedGen C0677776, MeSH D061325, MONDO:0003582. Disease mechanism: loss of function.
Hereditary cancer-predisposing syndrome. Also called: Tumor predisposition; Hereditary Cancer Syndrome; Neoplastic Syndromes, Hereditary; Hereditary neoplastic syndrome. Identifiers: Orphanet 140162, MedGen C0027672, MeSH D009386, MONDO:0015356.

gnomAD v4.1: 1 of 1,435,500 alleles (0.00007%); no homozygotes.

Submissions (5):

Labcorp Genetics (formerly Invitae), Labcorp
Classification: Likely benign for Hereditary breast ovarian cancer syndrome. Last evaluated: 2025-01-14. Review status: criteria provided, single submitter. Criteria: Invitae Variant Classification Sherloc (09022015). Collection method: clinical testing. Allele origin: germline.

Women's Health and Genetics/Laboratory Corporation of America, LabCorp
Classification: Likely benign. Last evaluated: 2024-04-14. Review status: criteria provided, single submitter. Criteria: LabCorp Variant Classification Summary - May 2015. Collection method: clinical testing. Allele origin: germline.

Color Diagnostics, LLC DBA Color Health
Classification: Likely benign for Hereditary cancer-predisposing syndrome. Last evaluated: 2017-03-29. Review status: criteria provided, single submitter. Criteria: ACMG Guidelines, 2015. Collection method: clinical testing. Allele origin: germline.

GeneDx
Classification: Likely benign. Last evaluated: 2015-11-09. Review status: criteria provided, single submitter. Criteria: GeneDx Variant Classification (06012015). Collection method: clinical testing. Allele origin: germline. Affected: yes.
Comment: This variant is considered likely benign or benign based on one or more of the following criteria: it is a conservative change, it occurs at a poorly conserved position in the protein, it is predicted to be benign by multiple in silico algorithms, and/or has population frequency not consistent with disease.

Sharing Clinical Reports Project (SCRP)
Classification: Likely benign for Breast-ovarian cancer, familial 2. Last evaluated: 2011-08-16. Review status: no assertion criteria provided. Collection method: clinical testing. Allele origin: germline. Not counted in ClinVar's aggregate classification.

NM_000059.4(BRCA2):c.6842-20T>C

Gene: BRCA2 (BRCA2 DNA repair associated; plus strand). Cytogenetic location: 13q13.1.
Variant type: single nucleotide variant.
Coding change: c.6842-20T>C on transcript NM_000059.4 (MANE Select); 20 bases into the intron before coding-DNA position 6842, T replaced by C.
Molecular consequence: intron variant.
Genome position (GRCh38, 1-based): chr13:32,344,538, T>C. VCF-style: chr13-32344538-T-C. GRCh37 (hg19) VCF-style: chr13-32918675-T-C.
Other names: IVS11-20T>C.
Identifiers: ClinVar variation 91459 (VCV000091459.18), dbSNP rs81002811, ClinGen allele CA024508.